The following is an entry in ClinVar:

ClinVar aggregate classification (germline): Uncertain significance (1 of 4 stars; one submission).

gnomAD v4.1: 93 of 1,609,622 alleles (0.0058%); highest among the groups gnomAD compares: African/African-American, 0.008%; no homozygotes.

Submission:

Labcorp Genetics (formerly Invitae), Labcorp
Classification: Uncertain significance. Last evaluated: 2024-08-13. Review status: criteria provided, single submitter. Criteria: Invitae Variant Classification Sherloc (09022015). Collection method: clinical testing. Allele origin: germline.
Comment: This sequence change replaces arginine, which is basic and polar, with histidine, which is basic and polar, at codon 844 of the RHBDF2 protein (p.Arg844His). This variant is present in population databases (rs373424100, gnomAD 0.01%). This variant has not been reported in the literature in individuals affected with RHBDF2-related conditions. An algorithm developed to predict the effect of missense changes on protein structure and function outputs the following: PolyPhen-2: "Benign". The histidine amino acid residue is found in multiple mammalian species, which suggests that this missense change does not adversely affect protein function. In summary, the available evidence is currently insufficient to determine the role of this variant in disease. Therefore, it has been classified as a Variant of Uncertain Significance.

NM_001005498.4(RHBDF2):c.2444G>A (p.Arg815His)

Gene: RHBDF2 (rhomboid 5 homolog 2; minus strand). Cytogenetic location: 17q25.1.
Variant type: single nucleotide variant.
Coding change: c.2444G>A on transcript NM_001005498.4 (MANE Select); coding-DNA position 2444, G replaced by A.
Protein change: p.Arg815His; replaces arginine 815 with histidine.
Molecular consequence: missense variant. On other transcripts: non-coding transcript variant (3).
Genome position (GRCh38, 1-based): chr17:76,471,673, C>T on the plus strand (G>A on the coding strand, the complement: RHBDF2 is on the minus strand). VCF-style: chr17-76471673-C-T. GRCh37 (hg19) VCF-style: chr17-74467755-C-T.
Other names: c.2444G>A, p.Arg815His (NM_001376228.1, NM_001376229.1, NM_001376230.1); c.2531G>A, p.Arg844His (NM_024599.5); short protein forms R815H, R844H.
Identifiers: ClinVar variation 3603435 (VCV003603435.2).
Genomic context (GRCh38, chr17:76,471,673, plus strand): 5'-GCAGCCGTGTGGCCCAGCGGTCAGTGCAGCACCTGGTCCAGCTCATACTTCTCGCAGAAG[C>T]GGCTGGTGAAGGGGAAGCAGGTGAGGTGCTCGATCCAGGGCCAGTTAATGGGGTAGATGT-3'
Protein context (NP_001005498.2, residues 805-825): EHLTCFPFTS[Arg815His]FCEKYELDQV